The following is an entry in ClinVar:

NM_006662.3(SRCAP):c.7897C>G (p.Leu2633Val)

Gene: SRCAP (Snf2 related CREBBP activator protein; plus strand). Cytogenetic location: 16p11.2.
Variant type: single nucleotide variant.
Coding change: c.7897C>G on transcript NM_006662.3 (MANE Select); coding-DNA position 7897, C replaced by G.
Protein change: p.Leu2633Val; replaces leucine 2633 with valine.
Molecular consequence: missense variant.
Genome position (GRCh38, 1-based): chr16:30,737,937, C>G. VCF-style: chr16-30737937-C-G. GRCh37 (hg19) VCF-style: chr16-30749258-C-G.
Other names: short protein forms L2633V.
Identifiers: ClinVar variation 1966671 (VCV001966671.6), dbSNP rs2053177061, ClinGen allele CA395634946.

ClinVar aggregate classification (germline): Uncertain significance. Review status: criteria provided, multiple submitters, no conflicts (2 of 4 stars). 2 submissions from 2 submitters: Uncertain significance (2). Last evaluated 2024-08-24.

Conditions:
Developmental delay, hypotonia, musculoskeletal defects, and behavioral abnormalities. Identifiers: MedGen C5562012, MONDO:0859202, OMIM 619595.
Floating-Harbor syndrome (FLHS). Also called: SRCAP-Related Floating-Harbor Syndrome; Short stature with delayed bone age, expressive language delay, a triangular face with a prominent nose and deep-set eyes; Pelletier-Leisti syndrome. Identifiers: Orphanet 2044, MedGen C0729582, MONDO:0007621, OMIM 136140.

Allele frequency attached by ClinVar (database versions not stated): gnomAD exomes below 0.00001; TOPMed below 0.00001.
gnomAD v4.1: 1 of 1,614,180 alleles (0.000062%); highest among the groups gnomAD compares: South Asian, 0.0011%; no homozygotes.

Submissions (2):

Labcorp Genetics (formerly Invitae), Labcorp
Classification: Uncertain significance. Last evaluated: 2024-08-24. Review status: criteria provided, single submitter. Criteria: Invitae Variant Classification Sherloc (09022015). Collection method: clinical testing. Allele origin: germline.
Comment: This sequence change replaces leucine, which is neutral and non-polar, with valine, which is neutral and non-polar, at codon 2633 of the SRCAP protein (p.Leu2633Val). This variant is not present in population databases (gnomAD no frequency). This variant has not been reported in the literature in individuals affected with SRCAP-related conditions. ClinVar contains an entry for this variant (Variation ID: 1966671). Invitae Evidence Modeling of protein sequence and biophysical properties (such as structural, functional, and spatial information, amino acid conservation, physicochemical variation, residue mobility, and thermodynamic stability) indicates that this missense variant is not expected to disrupt SRCAP protein function with a negative predictive value of 80%. In summary, the available evidence is currently insufficient to determine the role of this variant in disease. Therefore, it has been classified as a Variant of Uncertain Significance.

Fulgent Genetics
Classification: Uncertain significance for Floating-Harbor syndrome; Developmental delay, hypotonia, musculoskeletal defects, and behavioral abnormalities. Last evaluated: 2024-02-22. Review status: criteria provided, single submitter. Criteria: ACMG Guidelines, 2015. Collection method: clinical testing. Allele origin: germline.